The following is an entry in ClinVar:

NM_002890.3(RASA1):c.3060+1G>A

Genes: CCNH (cyclin H; minus strand), RASA1 (RAS p21 protein activator 1; plus strand). Cytogenetic location: 5q14.3.
Variant type: single nucleotide variant.
Coding change: c.3060+1G>A on transcript NM_002890.3 (MANE Select); the canonical splice donor site of the intron after coding-DNA position 3060, G replaced by A.
Molecular consequence: splice donor variant. On other transcripts: intron variant (1).
Genome position (GRCh38, 1-based): chr5:87,389,528, G>A. VCF-style: chr5-87389528-G-A. GRCh37 (hg19) VCF-style: chr5-86685345-G-A.
Other names: c.2529+1G>A (NM_022650.3); c.933+5516C>T (NM_001364075.2).
Identifiers: ClinVar variation 2719763 (VCV002719763.3), dbSNP rs1580418269, ClinGen allele CA360388700.

ClinVar aggregate classification (germline): Likely pathogenic (1 of 4 stars; one submission).

Conditions:
Capillary malformation-arteriovenous malformation syndrome. Also called: Capillary malformation-arteriovenous malformation. Identifiers: Orphanet 137667, MedGen C1842180, MONDO:0012016.

Submission:

Labcorp Genetics (formerly Invitae), Labcorp
Classification: Likely pathogenic for Capillary malformation-arteriovenous malformation syndrome. Last evaluated: 2023-07-17. Review status: criteria provided, single submitter. Criteria: Invitae Variant Classification Sherloc (09022015). Collection method: clinical testing. Allele origin: germline.
Comment: This sequence change affects a donor splice site in intron 24 of the RASA1 gene. While this variant is not anticipated to result in nonsense mediated decay, it likely alters RNA splicing and results in a disrupted protein product. This variant is not present in population databases (gnomAD no frequency). Disruption of this splice site has been observed in individuals with RASA1-related conditions (Invitae). Variants that disrupt the consensus splice site are a relatively common cause of aberrant splicing (PMID: 17576681, 9536098). Algorithms developed to predict the effect of sequence changes on RNA splicing suggest that this variant may disrupt the consensus splice site. This variant disrupts a region of the RASA1 protein in which other variant(s) (p.Lys1024*) have been observed in individuals with RASA1-related conditions (PMID: 30026675). This suggests that this is a clinically significant region of the protein, and that variants that disrupt it are likely to be disease-causing. In summary, the currently available evidence indicates that the variant is pathogenic, but additional data are needed to prove that conclusively. Therefore, this variant has been classified as Likely Pathogenic.

Literature cited by the submitters: PubMed 17576681; PubMed 9536098; PubMed 30026675.